The following is an entry in ClinVar:

NM_001184880.2(PCDH19):c.648G>A (p.Pro216=)

Gene: PCDH19 (protocadherin 19; minus strand). Cytogenetic location: Xq22.1.
Variant type: single nucleotide variant.
Coding change: c.648G>A on transcript NM_001184880.2 (MANE Select); coding-DNA position 648, G replaced by A.
Protein change: p.Pro216=; no amino-acid change (proline 216 retained).
Molecular consequence: synonymous variant.
Genome position (GRCh38, 1-based): chrX:100,407,950, C>T on the plus strand (G>A on the coding strand, the complement: PCDH19 is on the minus strand). VCF-style: chrX-100407950-C-T. GRCh37 (hg19) VCF-style: chrX-99662948-C-T.
Other names: c.648G>A, p.Pro216= (NM_001105243.2, NM_020766.3).
Identifiers: ClinVar variation 390462 (VCV000390462.5), dbSNP rs996601558, ClinGen allele CA16609108.

ClinVar aggregate classification (germline): Likely benign. Review status: criteria provided, multiple submitters, no conflicts (2 of 4 stars). 2 submissions from 2 submitters: Likely benign (2). Last evaluated 2019-04-03.

Conditions:
Developmental and epileptic encephalopathy, 9 (DEE9). Also called: EPILEPSY, FEMALE-RESTRICTED, WITH MENTAL RETARDATION; PCDH19-Related X-Linked Female-Limited Epilepsy with Mental Retardation; Early infantile epileptic encephalopathy 9; JUBERG-HELLMAN SYNDROME. Identifiers: Orphanet 101039, Orphanet 2076, MedGen C1848137, MONDO:0010246, OMIM 300088. Disease mechanism: loss of function.

Allele frequency attached by ClinVar (database versions not stated): TOPMed below 0.00001.

Submissions (2):

Labcorp Genetics (formerly Invitae), Labcorp
Classification: Likely benign for Developmental and epileptic encephalopathy, 9. Last evaluated: 2019-04-03. Review status: criteria provided, single submitter. Criteria: Invitae Variant Classification Sherloc (09022015). Collection method: clinical testing. Allele origin: germline.

GeneDx
Classification: Likely benign. Last evaluated: 2016-10-26. Review status: criteria provided, single submitter. Criteria: GeneDx Variant Classification (06012015). Collection method: clinical testing. Allele origin: germline. Affected: yes.
Comment: This variant is considered likely benign or benign based on one or more of the following criteria: it is a conservative change, it occurs at a poorly conserved position in the protein, it is predicted to be benign by multiple in silico algorithms, and/or has population frequency not consistent with disease.